The following is an entry in ClinVar:

NM_173076.3(ABCA12):c.6172T>G (p.Leu2058Val)

Genes: ABCA12 (ATP binding cassette subfamily A member 12; minus strand), SNHG31 (small nucleolar RNA host gene 31; plus strand). Cytogenetic location: 2q35.
Variant type: single nucleotide variant.
Coding change: c.6172T>G on transcript NM_173076.3 (MANE Select); coding-DNA position 6172, T replaced by G.
Protein change: p.Leu2058Val; replaces leucine 2058 with valine.
Molecular consequence: missense variant. On other transcripts: non-coding transcript variant (1).
Genome position (GRCh38, 1-based): chr2:214,956,724, A>C on the plus strand (T>G on the coding strand, the complement: ABCA12 is on the minus strand). VCF-style: chr2-214956724-A-C. GRCh37 (hg19) VCF-style: chr2-215821448-A-C.
Other names: c.5218T>G, p.Leu1740Val (NM_015657.4); c.6172T>G (NM_173076.2); short protein forms L2058V, L1740V.
Identifiers: ClinVar variation 1445452 (VCV001445452.6), dbSNP rs376465039, ClinGen allele CA2090977.
Genomic context (GRCh38, chr2:214,956,724, plus strand): 5'-CAAACAGGAGAAGTAGGAGAGATACAGCGCCTAGGTTGTTTTCACTGTAGAATGCAGGTA[A>C]TTTGAAAATCGCAATGATACCAATTGAAAACGCTACAGGCACCAAGTAGAAAACCTATGG-3'
Protein context (NP_775099.2, residues 2048-2068): FSIGIIAIFK[Leu2058Val]PAFYSENNLG

ClinVar aggregate classification (germline): Uncertain significance. Review status: criteria provided, multiple submitters, no conflicts (2 of 4 stars). 2 submissions from 2 submitters: Uncertain significance (2). Last evaluated 2024-10-01.

Conditions:
Inborn genetic diseases. Identifiers: MedGen C0950123, MeSH D030342.

Allele frequency attached by ClinVar (database versions not stated): TOPMed below 0.00001; ExAC 0.00001; gnomAD exomes 0.00001; ESP Exome Variant Server 0.00008.
gnomAD v4.1: 16 of 1,613,702 alleles (0.00099%); highest among the groups gnomAD compares: Admixed American, 0.0017%; no homozygotes.

Submissions (2):

Ambry Genetics
Classification: Uncertain significance for Inborn genetic diseases. Last evaluated: 2024-10-01. Review status: criteria provided, single submitter. Criteria: Ambry Variant Classification Scheme 2023. Collection method: clinical testing. Allele origin: germline.

Labcorp Genetics (formerly Invitae), Labcorp
Classification: Uncertain significance. Last evaluated: 2021-08-14. Review status: criteria provided, single submitter. Criteria: Invitae Variant Classification Sherloc (09022015). Collection method: clinical testing. Allele origin: germline.
Comment: This sequence change replaces leucine with valine at codon 2058 of the ABCA12 protein (p.Leu2058Val). The leucine residue is highly conserved and there is a small physicochemical difference between leucine and valine. This variant is present in population databases (rs376465039, ExAC 0.01%). This variant has not been reported in the literature in individuals affected with ABCA12-related conditions. Advanced modeling of protein sequence and biophysical properties (such as structural, functional, and spatial information, amino acid conservation, physicochemical variation, residue mobility, and thermodynamic stability) performed at Invitae indicates that this missense variant is not expected to disrupt ABCA12 protein function. Algorithms developed to predict the effect of sequence changes on RNA splicing suggest that this variant may create or strengthen a splice site. In summary, the available evidence is currently insufficient to determine the role of this variant in disease. Therefore, it has been classified as a Variant of Uncertain Significance.